The following is an entry in ClinVar:

ClinVar aggregate classification (germline): Pathogenic (1 of 4 stars; one submission).

Allele frequency attached by ClinVar (database versions not stated): TOPMed 0.00001.

Submission:

Labcorp Genetics (formerly Invitae), Labcorp
Classification: Pathogenic. Last evaluated: 2023-10-03. Review status: criteria provided, single submitter. Criteria: Invitae Variant Classification Sherloc (09022015). Collection method: clinical testing. Allele origin: germline.
Comment: This sequence change creates a premature translational stop signal (p.Asp250Glufs*5) in the EIF2B4 gene. It is expected to result in an absent or disrupted protein product. Loss-of-function variants in EIF2B4 are known to be pathogenic (PMID: 11835386, 15776425, 16807905). This variant is not present in population databases (gnomAD no frequency). This variant has not been reported in the literature in individuals affected with EIF2B4-related conditions. For these reasons, this variant has been classified as Pathogenic.

Literature cited by the submitters: PubMed 11835386; PubMed 15776425; PubMed 16807905.

NM_001034116.2(EIF2B4):c.752dup (p.Asp251fs)

Genes: EIF2B4 (eukaryotic translation initiation factor 2B subunit delta; minus strand), GTF3C2-AS2 (GTF3C2 antisense RNA 2; plus strand). Cytogenetic location: 2p23.3.
Variant type: Duplication.
Coding change: c.752dup on transcript NM_001034116.2 (MANE Select); coding-DNA position 752, one base duplicated (A; older notation c.752dupA).
Protein change: p.Asp251fs; shifts the reading frame from aspartic acid 251.
Molecular consequence: frameshift variant. On other transcripts: non-coding transcript variant (8).
Genome position (GRCh38, 1-based): chr2:27,367,776, T duplicated on the plus strand (A on the coding strand, the reverse complement: EIF2B4 is on the minus strand). VCF-style (leftmost placement, unchanged base first): chr2-27367775-A-AT. GRCh37 (hg19) VCF-style: chr2-27590642-A-AT.
Other names: c.815dup, p.Asp272fs (NM_001318965.2); c.707dup, p.Asp236fs (NM_001318966.2); c.659dup, p.Asp220fs (NM_001318967.2); c.167dup, p.Asp56fs (NM_001318968.2); c.134dup, p.Asp45fs (NM_001318969.2); c.749dup, p.Asp250fs (NM_015636.4); c.812dup, p.Asp271fs (NM_172195.4); short protein forms D220fs, D272fs, D251fs, D271fs, D45fs, D236fs, D250fs, D56fs.
Identifiers: ClinVar variation 2963806 (VCV002963806.3), dbSNP rs1681971339, ClinGen allele CA1240245785.